The following is an entry in ClinVar:

ClinVar aggregate classification (germline): Uncertain significance. Review status: criteria provided, multiple submitters, no conflicts (2 of 4 stars). 2 submissions from 2 submitters: Uncertain significance (2). Last evaluated 2023-06-01.

Conditions:
Ehlers-Danlos syndrome due to tenascin-X deficiency (EDSCLL1). Also called: EHLERS-DANLOS SYNDROME, CLASSIC-LIKE; Ehlers-Danlos syndrome, classic-like, 1; EDS DUE TO TNX DEFICIENCY; TNXB-Related Classical-Like Ehlers-Danlos Syndrome; TNX DEFICIENCY. Identifiers: Orphanet 230839, MedGen C1848029, MONDO:0011670, OMIM 606408.
Vesicoureteral reflux 8 (VUR8). Identifiers: Orphanet 289365, MedGen C4014831, MONDO:0014422, OMIM 615963.

gnomAD v4.1: 7 of 1,563,712 alleles (0.00045%); highest among the groups gnomAD compares: South Asian, 0.0012%; no homozygotes.

Submissions (2):

GeneDx
Classification: Uncertain significance. Last evaluated: 2023-06-01. Review status: criteria provided, single submitter. Criteria: GeneDx Variant Classification Process June 2021. Collection method: clinical testing. Allele origin: germline. Affected: yes.
Comment: In silico analysis supports that this missense variant does not alter protein structure/function; Has not been previously published as pathogenic or benign to our knowledge

Department of Pathology and Laboratory Medicine, Sinai Health System
Classification: Uncertain significance for Ehlers-Danlos syndrome due to tenascin-X deficiency; Vesicoureteral reflux 8. Last evaluated: 2021-12-16. Review status: criteria provided, single submitter. Criteria: ACMG Guidelines, 2015. Collection method: research. Allele origin: germline.

NM_001365276.2(TNXB):c.1238G>A (p.Arg413His)

Gene: TNXB (tenascin XB; minus strand). Cytogenetic location: 6p21.33.
Variant type: single nucleotide variant.
Coding change: c.1238G>A on transcript NM_001365276.2 (MANE Select); coding-DNA position 1238, G replaced by A.
Protein change: p.Arg413His; replaces arginine 413 with histidine.
Molecular consequence: missense variant.
Genome position (GRCh38, 1-based): chr6:32,096,615, C>T on the plus strand (G>A on the coding strand, the complement: TNXB is on the minus strand). VCF-style: chr6-32096615-C-T. GRCh37 (hg19) VCF-style: chr6-32064392-C-T.
Other names: c.1238G>A, p.Arg413His (NM_001428335.1, NM_019105.8); short protein forms R413H.
Identifiers: ClinVar variation 3362096 (VCV003362096.2).
Genomic context (GRCh38, chr6:32,096,615, plus strand): 5'-CGCGAGCCGCAATCGGTTCCAGTGTACCCCGGCCAGCACACGCAGCGGCCGTCCTCGCAG[C>T]GGCCCCTTTGGTTGCAGTCGCCAGGGCAGCTGCGCACGCCGCAGTCGTCCCCGCTGTAGC-3'
Protein context (NP_001352205.1, residues 403-423): SCPGDCNQRG[Arg413His]CEDGRCVCWP